The following is an entry in ClinVar:

ClinVar aggregate classification (germline): Uncertain significance (1 of 4 stars; one submission).

gnomAD v4.1: 5 of 1,594,270 alleles (0.00031%); highest among the groups gnomAD compares: Non-Finnish European, 0.00043%; no homozygotes.

Submission:

Ambry Genetics
Classification: Uncertain significance. Last evaluated: 2024-04-24. Review status: criteria provided, single submitter. Criteria: Ambry Variant Classification Scheme 2023. Collection method: clinical testing. Allele origin: germline.
Comment: The p.V372M variant (also known as c.1114G>A), located in coding exon 8 of the POLQ gene, results from a G to A substitution at nucleotide position 1114. The valine at codon 372 is replaced by methionine, an amino acid with highly similar properties. This amino acid position is conserved. In addition, this alteration is predicted to be tolerated by in silico analysis. Based on the available evidence, the clinical significance of this variant remains unclear.

NM_199420.4(POLQ):c.1114G>A (p.Val372Met)

Gene: POLQ (DNA polymerase theta; minus strand). Cytogenetic location: 3q13.33.
Variant type: single nucleotide variant.
Coding change: c.1114G>A on transcript NM_199420.4 (MANE Select); coding-DNA position 1114, G replaced by A.
Protein change: p.Val372Met; replaces valine 372 with methionine.
Molecular consequence: missense variant.
Genome position (GRCh38, 1-based): chr3:121,522,144, C>T on the plus strand (G>A on the coding strand, the complement: POLQ is on the minus strand). VCF-style: chr3-121522144-C-T. GRCh37 (hg19) VCF-style: chr3-121240991-C-T.
Other names: short protein forms V372M.
Identifiers: ClinVar variation 3308649 (VCV003308649.1).